The following is an entry in ClinVar:

ClinVar aggregate classification (germline): Pathogenic (1 of 4 stars; one submission).

Submission:

Labcorp Genetics (formerly Invitae), Labcorp
Classification: Pathogenic. Last evaluated: 2025-02-04. Review status: criteria provided, single submitter. Criteria: Invitae Variant Classification Sherloc (09022015). Collection method: clinical testing. Allele origin: germline.
Comment: This sequence change creates a premature translational stop signal (p.Cys791*) in the CYLD gene. It is expected to result in an absent or disrupted protein product. Loss-of-function variants in CYLD are known to be pathogenic (PMID: 19462465). This variant is not present in population databases (gnomAD no frequency). This variant has not been reported in the literature in individuals affected with CYLD-related conditions. For these reasons, this variant has been classified as Pathogenic.

Literature cited by the submitters: PubMed 19462465.

NM_001378743.1(CYLD):c.2373T>A (p.Cys791Ter)

Genes: CYLD (CYLD lysine 63 deubiquitinase; plus strand), CYLD-AS2 (CYLD antisense RNA 2; minus strand). Cytogenetic location: 16q12.1.
Variant type: single nucleotide variant.
Coding change: c.2373T>A on transcript NM_001378743.1 (MANE Select); coding-DNA position 2373, T replaced by A.
Protein change: p.Cys791Ter; replaces cysteine 791 with a stop codon.
Molecular consequence: nonsense. On other transcripts: non-coding transcript variant (1).
Genome position (GRCh38, 1-based): chr16:50,793,568, T>A. VCF-style: chr16-50793568-T-A. GRCh37 (hg19) VCF-style: chr16-50827479-T-A.
Other names: c.2364T>A, p.Cys788Ter (NM_001042355.2, NM_001042412.3, NM_001378744.1 and 6 more transcripts); c.2334T>A, p.Cys778Ter (NM_001378751.1, NM_001378752.1, NM_001378753.1); c.1698T>A, p.Cys566Ter (NM_001378754.1, NM_001378755.1); c.2373T>A, p.Cys791Ter (NM_015247.3); short protein forms C566*, C788*, C791*, C778*.
Identifiers: ClinVar variation 4711997 (VCV004711997.1).